The following is an entry in ClinVar:

NM_000552.5(VWF):c.6243G>A (p.Thr2081=)

Gene: VWF (von Willebrand factor; minus strand). Cytogenetic location: 12p13.31.
Variant type: single nucleotide variant.
Coding change: c.6243G>A on transcript NM_000552.5 (MANE Select); coding-DNA position 6243, G replaced by A.
Protein change: p.Thr2081=; no amino-acid change (threonine 2081 retained).
Molecular consequence: synonymous variant.
Genome position (GRCh38, 1-based): chr12:5,994,428, C>T on the plus strand (G>A on the coding strand, the complement: VWF is on the minus strand). VCF-style: chr12-5994428-C-T. GRCh37 (hg19) VCF-style: chr12-6103594-C-T.
Identifiers: ClinVar variation 3035100 (VCV003035100.3), dbSNP rs755072784, ClinGen allele CA6402046.

ClinVar aggregate classification (germline): Likely benign. Review status: criteria provided, single submitter (1 of 4 stars). 2 submissions from 2 submitters: Likely benign (1). 1 of the submissions does not count toward it. Last evaluated 2024-11-19.

Conditions:
VWF-related disorder. Also called: VWF-related disorders; VWF-related condition.

Allele frequency attached by ClinVar (database versions not stated): ExAC 0.00003; gnomAD 0.00004; gnomAD exomes 0.00005; TOPMed 0.00006.
gnomAD v4.1: 76 of 1,614,004 alleles (0.0047%); highest among the groups gnomAD compares: Non-Finnish European, 0.0057%; no homozygotes.

Submissions (2):

ARUP Laboratories, Molecular Genetics and Genomics, ARUP Laboratories
Classification: Likely benign. Last evaluated: 2024-11-19. Review status: criteria provided, single submitter. Criteria: ARUP Molecular Germline Variant Investigation Process 2024. Collection method: clinical testing. Allele origin: germline.

PreventionGenetics, part of Exact Sciences
Classification: Likely benign for VWF-related condition. Last evaluated: 2019-07-30. Review status: no assertion criteria provided. Collection method: clinical testing. Allele origin: germline. Not counted in ClinVar's aggregate classification.
Comment: This variant is classified as likely benign based on ACMG/AMP sequence variant interpretation guidelines (Richards et al. 2015 PMID: 25741868, with internal and published modifications).